The following is an entry in ClinVar:

NM_001297.5(CNGB1):c.3415C>G (p.Leu1139Val)

Gene: CNGB1 (cyclic nucleotide gated channel subunit beta 1; minus strand). Cytogenetic location: 16q21.
Variant type: single nucleotide variant.
Coding change: c.3415C>G on transcript NM_001297.5 (MANE Select); coding-DNA position 3415, C replaced by G.
Protein change: p.Leu1139Val; replaces leucine 1139 with valine.
Molecular consequence: missense variant.
Genome position (GRCh38, 1-based): chr16:57,887,902, G>C on the plus strand (C>G on the coding strand, the complement: CNGB1 is on the minus strand). VCF-style: chr16-57887902-G-C. GRCh37 (hg19) VCF-style: chr16-57921806-G-C.
Other names: c.3415C>G (NM_001297.4); c.3397C>G, p.Leu1133Val (NM_001286130.2); short protein forms L1133V, L1139V.
Identifiers: ClinVar variation 1052313 (VCV001052313.8), dbSNP rs376171765, ClinGen allele CA8082577.

ClinVar aggregate classification (germline): Uncertain significance. Review status: criteria provided, multiple submitters, no conflicts (2 of 4 stars). 3 submissions from 3 submitters: Uncertain significance (3). Last evaluated 2025-11-12.

Conditions:
Inborn genetic diseases. Identifiers: MedGen C0950123, MeSH D030342.

Allele frequency attached by ClinVar (database versions not stated): gnomAD exomes 0.00001 and 0.00003; ExAC 0.00002; TOPMed 0.00011; gnomAD 0.00015; ESP Exome Variant Server 0.00017.
gnomAD v4.1: 33 of 1,614,198 alleles (0.002%); highest among the groups gnomAD compares: African/African-American, 0.04%; no homozygotes.

Submissions (3):

Ambry Genetics
Classification: Uncertain significance for Inborn genetic diseases. Last evaluated: 2025-11-12. Review status: criteria provided, single submitter. Criteria: Ambry Variant Classification Scheme 2023. Collection method: clinical testing. Allele origin: germline.

Labcorp Genetics (formerly Invitae), Labcorp
Classification: Uncertain significance. Last evaluated: 2024-10-26. Review status: criteria provided, single submitter. Criteria: Invitae Variant Classification Sherloc (09022015). Collection method: clinical testing. Allele origin: germline.
Comment: This sequence change replaces leucine, which is neutral and non-polar, with valine, which is neutral and non-polar, at codon 1139 of the CNGB1 protein (p.Leu1139Val). This variant is present in population databases (rs376171765, gnomAD 0.03%). This missense change has been observed in individual(s) with retinitis pigmentosa (PMID: 36819107). ClinVar contains an entry for this variant (Variation ID: 1052313). Invitae Evidence Modeling of protein sequence and biophysical properties (such as structural, functional, and spatial information, amino acid conservation, physicochemical variation, residue mobility, and thermodynamic stability) indicates that this missense variant is not expected to disrupt CNGB1 protein function with a negative predictive value of 80%. In summary, the available evidence is currently insufficient to determine the role of this variant in disease. Therefore, it has been classified as a Variant of Uncertain Significance.

Blueprint Genetics
Classification: Uncertain significance. Last evaluated: 2021-07-15. Review status: criteria provided, single submitter. Criteria: ACMG Guidelines, 2015. Collection method: clinical testing. Allele origin: germline.

Literature cited by the submitters: PubMed 36819107 (cited by Labcorp Genetics (formerly Invitae), Labcorp).